The following is an entry in ClinVar:

ClinVar aggregate classification (germline): Uncertain significance (1 of 4 stars; one submission).

Conditions:
Long QT syndrome (LQTS). Identifiers: MedGen C0023976, MeSH D008133, MONDO:0002442. Disease mechanism: loss of function. Inheritance: Various modes of inheritance.

Allele frequency attached by ClinVar (database versions not stated): gnomAD exomes below 0.00001.
gnomAD v4.1: 1 of 1,573,654 alleles (0.000064%); no homozygotes.

Submission:

Labcorp Genetics (formerly Invitae), Labcorp
Classification: Uncertain significance for Long QT syndrome. Last evaluated: 2020-02-04. Review status: criteria provided, single submitter. Criteria: Invitae Variant Classification Sherloc (09022015). Collection method: clinical testing. Allele origin: germline.
Comment: This variant is not present in population databases (ExAC no frequency). This sequence change replaces glutamine with glutamic acid at codon 1253 of the AKAP9 protein (p.Gln1253Glu). The glutamine residue is moderately conserved and there is a small physicochemical difference between glutamine and glutamic acid. This variant has not been reported in the literature in individuals with AKAP9-related conditions. In summary, the available evidence is currently insufficient to determine the role of this variant in disease. Therefore, it has been classified as a Variant of Uncertain Significance. Algorithms developed to predict the effect of missense changes on protein structure and function are either unavailable or do not agree on the potential impact of this missense change (SIFT: "Tolerated"; PolyPhen-2: "Possibly Damaging"; Align-GVGD: "Class C0").

NM_005751.5(AKAP9):c.3757C>G (p.Gln1253Glu)

Gene: AKAP9 (A-kinase anchoring protein 9; plus strand). Cytogenetic location: 7q21.2.
Variant type: single nucleotide variant.
Coding change: c.3757C>G on transcript NM_005751.5 (MANE Select); coding-DNA position 3757, C replaced by G.
Protein change: p.Gln1253Glu; replaces glutamine 1253 with glutamic acid.
Molecular consequence: missense variant.
Genome position (GRCh38, 1-based): chr7:92,017,022, C>G. VCF-style: chr7-92017022-C-G. GRCh37 (hg19) VCF-style: chr7-91646336-C-G.
Other names: c.3757C>G, p.Gln1253Glu (NM_147185.3); short protein forms Q1253E.
Identifiers: ClinVar variation 1043390 (VCV001043390.9), dbSNP rs1801604245, ClinGen allele CA368127175.